The following is an entry in ClinVar:

NM_006031.6(PCNT):c.5603C>T (p.Ala1868Val)

Gene: PCNT (pericentrin; plus strand). Cytogenetic location: 21q22.3.
Variant type: single nucleotide variant.
Coding change: c.5603C>T on transcript NM_006031.6 (MANE Select); coding-DNA position 5603, C replaced by T.
Protein change: p.Ala1868Val; replaces alanine 1868 with valine.
Molecular consequence: missense variant.
Genome position (GRCh38, 1-based): chr21:46,411,676, C>T. VCF-style: chr21-46411676-C-T. GRCh37 (hg19) VCF-style: chr21-47831590-C-T.
Other names: c.5249C>T, p.Ala1750Val (NM_001315529.2); short protein forms A1750V, A1868V.
Identifiers: ClinVar variation 1205190 (VCV001205190.10), dbSNP rs369038814, ClinGen allele CA10080035.
Genomic context (GRCh38, chr21:46,411,676, plus strand): 5'-AGGTCGAAGACATGGCCTCCCGGATCCAGGAGTTCGAAGCGGCCCTGAAAGCAAAGGAAG[C>T]GACGATTGCCGAGAGAAATTTAGAAATCGACGCTCTGAACCAGCGGAAGGCGGCCCACTC-3'
Protein context (NP_006022.3, residues 1858-1878): EFEAALKAKE[Ala1868Val]TIAERNLEID

ClinVar aggregate classification (germline): Conflicting classifications of pathogenicity. Review status: criteria provided, conflicting classifications (1 of 4 stars). 3 submissions from 3 submitters: Uncertain significance (1); Likely benign (1). 1 of the submissions does not count toward it. Last evaluated 2026-02-04.

Conditions:
PCNT-related disorder. Also called: PCNT-related condition.

Allele frequency attached by ClinVar (database versions not stated): ExAC 0.00022; ESP Exome Variant Server 0.00008; gnomAD 0.00013 and 0.00014; TOPMed 0.00013; 1000 Genomes Project 30x 0.00016; 1000 Genomes Project 0.00020; gnomAD exomes 0.00021.
gnomAD v4.1: 253 of 1,612,978 alleles (0.016%); highest among the groups gnomAD compares: Non-Finnish European, 0.012%; 2 homozygotes.

Submissions (3):

Labcorp Genetics (formerly Invitae), Labcorp
Classification: Likely benign. Last evaluated: 2026-02-04. Review status: criteria provided, single submitter. Criteria: Invitae Variant Classification Sherloc (09022015). Collection method: clinical testing. Allele origin: germline.

GeneDx
Classification: Uncertain significance. Last evaluated: 2019-07-27. Review status: criteria provided, single submitter. Criteria: GeneDx Variant Classification Process June 2021. Collection method: clinical testing. Allele origin: germline. Affected: yes.
Comment: In silico analysis, which includes protein predictors and evolutionary conservation, supports that this variant does not alter protein structure/function; Has not been previously published as pathogenic or benign to our knowledge

PreventionGenetics, part of Exact Sciences
Classification: Likely benign for PCNT-related condition. Last evaluated: 2024-03-05. Review status: no assertion criteria provided. Collection method: clinical testing. Allele origin: germline. Not counted in ClinVar's aggregate classification.
Comment: This variant is classified as likely benign based on ACMG/AMP sequence variant interpretation guidelines (Richards et al. 2015 PMID: 25741868, with internal and published modifications).